The following is an entry in ClinVar:

ClinVar aggregate classification (germline): Likely benign (1 of 4 stars; one submission).

Allele frequency attached by ClinVar (database versions not stated): gnomAD 0.00001; gnomAD exomes 0.00001; TOPMed 0.00001; ExAC 0.00003.
gnomAD v4.1: 22 of 1,613,714 alleles (0.0014%); highest among the groups gnomAD compares: East Asian, 0.0045%; no homozygotes.

Submission:

CeGaT Center for Human Genetics Tuebingen
Classification: Likely benign. Last evaluated: 2022-03-01. Review status: criteria provided, single submitter. Criteria: CeGaT Center For Human Genetics Tuebingen Variant Classification Criteria Version 2. Collection method: clinical testing. Allele origin: germline. Affected: yes. Observed: 1 variant allele.
Comment: APOBR: BP4

NM_018690.4(APOBR):c.2396C>T (p.Ala799Val)

Gene: APOBR (apolipoprotein B receptor; plus strand). Cytogenetic location: 16p12.1.
Variant type: single nucleotide variant.
Coding change: c.2396C>T on transcript NM_018690.4 (MANE Select); coding-DNA position 2396, C replaced by T.
Protein change: p.Ala799Val; replaces alanine 799 with valine.
Molecular consequence: missense variant.
Genome position (GRCh38, 1-based): chr16:28,497,437, C>T. VCF-style: chr16-28497437-C-T. GRCh37 (hg19) VCF-style: chr16-28508758-C-T.
Other names: c.2369C>T, p.Ala790Val (NM_001424171.1, NM_182804.1); short protein forms A790V, A799V.
Identifiers: ClinVar variation 2646348 (VCV002646348.24), dbSNP rs746573798, ClinGen allele CA7981652.